The following is an entry in ClinVar:

NM_001844.5(COL2A1):c.871-18T>C

Gene: COL2A1 (collagen type II alpha 1 chain; minus strand). Cytogenetic location: 12q13.11.
Variant type: single nucleotide variant.
Coding change: c.871-18T>C on transcript NM_001844.5 (MANE Select); 18 bases into the intron before coding-DNA position 871, T replaced by C.
Molecular consequence: intron variant.
Genome position (GRCh38, 1-based): chr12:47,993,880, A>G on the plus strand (T>C on the coding strand, the complement: COL2A1 is on the minus strand). VCF-style: chr12-47993880-A-G. GRCh37 (hg19) VCF-style: chr12-48387663-A-G.
Other names: c.664-18T>C (NM_033150.3).
Identifiers: ClinVar variation 682255 (VCV000682255.10), dbSNP rs763541773, ClinGen allele CA6535734.

ClinVar aggregate classification (germline): Likely benign. Review status: criteria provided, multiple submitters, no conflicts (2 of 4 stars). 3 submissions from 3 submitters: Likely benign (3). Last evaluated 2025-09-23.

Allele frequency attached by ClinVar (database versions not stated): gnomAD exomes 0.00002 and 0.00003; ExAC 0.00003; gnomAD 0.00011; TOPMed 0.00013.
gnomAD v4.1: 41 of 1,613,980 alleles (0.0025%); highest among the groups gnomAD compares: African/African-American, 0.028%; no homozygotes.

Submissions (3):

Labcorp Genetics (formerly Invitae), Labcorp
Classification: Likely benign. Last evaluated: 2025-09-23. Review status: criteria provided, single submitter. Criteria: Invitae Variant Classification Sherloc (09022015). Collection method: clinical testing. Allele origin: germline.

Blueprint Genetics
Classification: Likely benign. Last evaluated: 2022-10-24. Review status: criteria provided, single submitter. Criteria: ACMG Guidelines, 2015. Collection method: clinical testing. Allele origin: germline.

GeneDx
Classification: Likely benign. Last evaluated: 2018-04-20. Review status: criteria provided, single submitter. Criteria: GeneDx Variant Classification (06012015). Collection method: clinical testing. Allele origin: germline. Affected: yes.
Comment: This variant is considered likely benign or benign based on one or more of the following criteria: it is a conservative change, it occurs at a poorly conserved position in the protein, it is predicted to be benign by multiple in silico algorithms, and/or has population frequency not consistent with disease.